The following is an entry in ClinVar:

ClinVar aggregate classification (germline): Benign (1 of 4 stars; one submission).

Conditions:
Peutz-Jeghers syndrome (PJS). Also called: POLYPOSIS, HAMARTOMATOUS INTESTINAL; POLYPS-AND-SPOTS SYNDROME; Peutz-Jeghers polyposis; Periorificial lentiginosis syndrome. Identifiers: Orphanet 2869, MedGen C0031269, MeSH D010580, MONDO:0008280, OMIM 175200.

Submission:

Myriad Genetics, Inc.
Classification: Benign for Peutz-Jeghers syndrome. Last evaluated: 2025-03-31. Review status: criteria provided, single submitter. Criteria: Myriad Autosomal Dominant, Autosomal Recessive and X-Linked Classification Criteria (2023). Collection method: clinical testing. Allele origin: unknown.
Comment: This variant is considered benign. This variant occurs in the non-coding 3' untranslated region of the gene, and is not expected to impact protein function.

NM_000455.5(STK11):c.*6G>C

Gene: STK11 (serine/threonine kinase 11; plus strand). Cytogenetic location: 19p13.3.
Variant type: single nucleotide variant.
Coding change: c.*6G>C on transcript NM_000455.5 (MANE Select); 6 bases downstream of the stop codon, G replaced by C.
Molecular consequence: 3 prime UTR variant. On other transcripts: non-coding transcript variant (1).
Genome position (GRCh38, 1-based): chr19:1,226,653, G>C. VCF-style: chr19-1226653-G-C. GRCh37 (hg19) VCF-style: chr19-1226652-G-C.
Identifiers: ClinVar variation 3903503 (VCV003903503.1).